The following is an entry in ClinVar:

NM_024408.4(NOTCH2):c.5792G>A (p.Arg1931His)

Gene: NOTCH2 (notch receptor 2; minus strand). Cytogenetic location: 1p12.
Variant type: single nucleotide variant.
Coding change: c.5792G>A on transcript NM_024408.4 (MANE Select); coding-DNA position 5792, G replaced by A.
Protein change: p.Arg1931His; replaces arginine 1931 with histidine.
Molecular consequence: missense variant.
Genome position (GRCh38, 1-based): chr1:119,918,543, C>T on the plus strand (G>A on the coding strand, the complement: NOTCH2 is on the minus strand). VCF-style: chr1-119918543-C-T. GRCh37 (hg19) VCF-style: chr1-120461166-C-T.
Other names: short protein forms R1931H.
Identifiers: ClinVar variation 3631412 (VCV003631412.4).

ClinVar aggregate classification (germline): Uncertain significance. Review status: criteria provided, multiple submitters, no conflicts (2 of 4 stars). 3 submissions from 3 submitters: Uncertain significance (3). Last evaluated 2024-05-02.

Conditions:
Hajdu-Cheney syndrome (HJCYS). Also called: ACROOSTEOLYSIS WITH OSTEOPOROSIS AND CHANGES IN SKULL AND MANDIBLE; Acroosteolysis dominant type; SERPENTINE FIBULA-POLYCYSTIC KIDNEY SYNDROME. Identifiers: Orphanet 955, MedGen C0917715, MONDO:0007057, OMIM 102500.
Alagille syndrome due to a NOTCH2 point mutation. Also called: Alagille syndrome 2. Identifiers: Orphanet 261629, Orphanet 52, MedGen C1857761, MONDO:0012439, OMIM 610205.

gnomAD v4.1: 13 of 1,613,730 alleles (0.00081%); highest among the groups gnomAD compares: Non-Finnish European, 0.0011%; no homozygotes.

Submissions (3):

Labcorp Genetics (formerly Invitae), Labcorp
Classification: Uncertain significance for Hajdu-Cheney syndrome. Last evaluated: 2024-05-02. Review status: criteria provided, single submitter. Criteria: Invitae Variant Classification Sherloc (09022015). Collection method: clinical testing. Allele origin: germline.
Comment: This sequence change replaces arginine, which is basic and polar, with histidine, which is basic and polar, at codon 1931 of the NOTCH2 protein (p.Arg1931His). This variant is present in population databases (rs200693165, gnomAD 0.003%). This variant has not been reported in the literature in individuals affected with NOTCH2-related conditions. Advanced modeling of protein sequence and biophysical properties (such as structural, functional, and spatial information, amino acid conservation, physicochemical variation, residue mobility, and thermodynamic stability) performed at Invitae indicates that this missense variant is expected to disrupt NOTCH2 protein function with a positive predictive value of 80%. In summary, the available evidence is currently insufficient to determine the role of this variant in disease. Therefore, it has been classified as a Variant of Uncertain Significance.

Blueprint Genetics
Classification: Uncertain significance. Last evaluated: 2022-02-17. Review status: criteria provided, single submitter. Criteria: ACMG Guidelines, 2015. Collection method: clinical testing. Allele origin: germline.

Department of Pathology and Laboratory Medicine, Sinai Health System
Classification: Uncertain significance for Hajdu-Cheney syndrome; Alagille syndrome due to a NOTCH2 point mutation. Last evaluated: 2020-07-27. Review status: criteria provided, single submitter. Criteria: ACMG Guidelines, 2015. Collection method: research. Allele origin: germline.